The following is an entry in ClinVar:

NC_000021.7:g.13636378_28138533dup

Genes: MIR99A (microRNA 99a; plus strand), MIRLET7C (microRNA let-7c; plus strand), TMPRSS15 (transmembrane serine protease 15; minus strand), USP25 (ubiquitin specific peptidase 25; plus strand), CHODL (chondrolectin; plus strand) and 20 more. Cytogenetic location: 21q11.2-21.3.
Variant type: Duplication.
Identifiers: ClinVar variation 127268 (VCV000127268.2).

ClinVar aggregate classification (germline): Pathogenic (0 of 4 stars; one submission).

Conditions:
Alzheimer disease. Also called: Presenile and senile dementia; Alzheimer's disease. Identifiers: Orphanet 1020, MedGen C0002395, MeSH D000544, MONDO:0004975, HP:0002511.
Cerebral amyloid angiopathy, APP-related. Also called: Cerebral amyloid angiopathy, Dutch, Italian, Iowa, Flemish, Arctic variants; AMYLOIDOSIS, CEREBROARTERIAL, APP-RELATED. Identifiers: Orphanet 100006, Orphanet 324703, Orphanet 324708, Orphanet 324713, Orphanet 324718, Orphanet 324723, Orphanet 85458, MedGen C2751536, MONDO:0011583, OMIM 605714.

Submission:

Alzheimer's disease and other cognitive disorders unit, Hospital Clínic de Barcelona_IDIBAPS
Classification: Pathogenic for Alzheimer''s disease; Cerebral amyloid angiopathy, APP-related. Review status: no assertion criteria provided. Collection method: research. Allele origin: germline. Inheritance: Autosomal dominant inheritance. Affected: yes.
Comment: APP point mutations are a cause of early-onset Alzheimer''s disease (AD). The APP gene duplication alone or with flanking genes is the cause of early-onset AD with cerebral amyloid angiopathy.

Literature cited by the submitters: PubMed 24691562; PubMed 16921174; PubMed 16369530.